The following is an entry in ClinVar:

NM_006662.3(SRCAP):c.5561G>A (p.Arg1854His)

Gene: SRCAP (Snf2 related CREBBP activator protein; plus strand). Cytogenetic location: 16p11.2.
Variant type: single nucleotide variant.
Coding change: c.5561G>A on transcript NM_006662.3 (MANE Select); coding-DNA position 5561, G replaced by A.
Protein change: p.Arg1854His; replaces arginine 1854 with histidine.
Molecular consequence: missense variant.
Genome position (GRCh38, 1-based): chr16:30,724,985, G>A. VCF-style: chr16-30724985-G-A. GRCh37 (hg19) VCF-style: chr16-30736306-G-A.
Other names: c.5561G>A (NM_006662.2); short protein forms R1854H.
Identifiers: ClinVar variation 2436481 (VCV002436481.8), dbSNP rs746926335, ClinGen allele CA8012006.

ClinVar aggregate classification (germline): Conflicting classifications of pathogenicity. Review status: criteria provided, conflicting classifications (1 of 4 stars). 3 submissions from 3 submitters: Uncertain significance (2); Likely benign (1). Last evaluated 2025-11-24.

Conditions:
Inborn genetic diseases. Identifiers: MedGen C0950123, MeSH D030342.

Allele frequency attached by ClinVar (database versions not stated): ExAC 0.00003; gnomAD 0.00004; gnomAD exomes 0.00001; TOPMed 0.00011.
gnomAD v4.1: 24 of 1,613,984 alleles (0.0015%); highest among the groups gnomAD compares: African/African-American, 0.015%; no homozygotes.

Submissions (3):

Labcorp Genetics (formerly Invitae), Labcorp
Classification: Uncertain significance. Last evaluated: 2025-11-24. Review status: criteria provided, single submitter. Criteria: Invitae Variant Classification Sherloc (09022015). Collection method: clinical testing. Allele origin: germline.
Comment: This sequence change replaces arginine, which is basic and polar, with histidine, which is basic and polar, at codon 1854 of the SRCAP protein (p.Arg1854His). This variant is present in population databases (rs746926335, gnomAD 0.01%). This variant has not been reported in the literature in individuals affected with SRCAP-related conditions. ClinVar contains an entry for this variant (Variation ID: 2436481). Invitae Evidence Modeling of protein sequence and biophysical properties (such as structural, functional, and spatial information, amino acid conservation, physicochemical variation, residue mobility, and thermodynamic stability) has been performed for this missense variant. However, the output from this modeling did not meet the statistical confidence thresholds required to predict the impact of this variant on SRCAP protein function. In summary, the available evidence is currently insufficient to determine the role of this variant in disease. Therefore, it has been classified as a Variant of Uncertain Significance.

Ambry Genetics
Classification: Likely benign for Inborn genetic diseases. Last evaluated: 2023-02-16. Review status: criteria provided, single submitter. Criteria: Ambry Variant Classification Scheme 2023. Collection method: clinical testing. Allele origin: germline.

Revvity Omics, Revvity
Classification: Uncertain significance. Last evaluated: 2021-12-27. Review status: criteria provided, single submitter. Criteria: ACMG Guidelines, 2015. Collection method: clinical testing. Allele origin: germline.